The following is an entry in ClinVar:

NM_000441.2(SLC26A4):c.1146C>A (p.Asn382Lys)

Gene: SLC26A4 (solute carrier family 26 member 4; plus strand). Cytogenetic location: 7q22.3.
Variant type: single nucleotide variant.
Coding change: c.1146C>A on transcript NM_000441.2 (MANE Select); coding-DNA position 1146, C replaced by A.
Protein change: p.Asn382Lys; replaces asparagine 382 with lysine.
Molecular consequence: missense variant.
Genome position (GRCh38, 1-based): chr7:107,689,197, C>A. VCF-style: chr7-107689197-C-A. GRCh37 (hg19) VCF-style: chr7-107329642-C-A.
Other names: short protein forms N382K.
Identifiers: ClinVar variation 4061673 (VCV004061673.2).

ClinVar aggregate classification (germline): Uncertain significance. Review status: criteria provided, single submitter (1 of 4 stars). 2 submissions from 2 submitters: Uncertain significance (1). 1 of the submissions does not count toward it. Last evaluated 2026-04-01.

Conditions:
Pendred syndrome (PDS). Also called: DEAFNESS WITH GOITER; GOITER-DEAFNESS SYNDROME; HYPOTHYROIDISM, CONGENITAL, DUE TO DYSHORMONOGENESIS, 2B; THYROID DYSHORMONOGENESIS 2B; THYROID HORMONOGENESIS, GENETIC DEFECT IN, 2B; Pendred's syndrome. Identifiers: Orphanet 705, MedGen C0271829, MONDO:0010134, OMIM 274600.

Submissions (2):

Women's Health and Genetics/Laboratory Corporation of America, LabCorp
Classification: Uncertain significance. Last evaluated: 2026-04-01. Review status: criteria provided, single submitter. Criteria: LabCorp Variant Classification Summary - May 2015. Collection method: clinical testing. Allele origin: germline.
Comment: Variant summary: SLC26A4 c.1146C>A (p.Asn382Lys) results in a non-conservative amino acid change in the encoded protein sequence. Algorithms developed to predict the effect of missense changes on protein structure and function all suggest that this variant is likely to be disruptive. The variant was absent in 251150 control chromosomes (gnomAD). The available data on variant occurrences in the general population are insufficient to allow any conclusion about variant significance. p.Asn382Lys has been reported in at least one individual affected with prelingual sensorineural hearing loss (SNHL) (Carvalho_2018). The report does not provide unequivocal conclusions about association of the variant with Pendred Syndrome. To our knowledge, no experimental evidence demonstrating an impact on protein function has been reported. The following publication have been ascertained in the context of this evaluation (PMID: 30068397). ClinVar contains an entry for this variant (Variation ID: 4061673). Based on the evidence outlined above, the variant was classified as uncertain significance.

Natera, Inc.
Classification: Uncertain significance for Pendred syndrome. Last evaluated: 2025-03-28. Review status: no assertion criteria provided. Collection method: clinical testing. Allele origin: germline. Not counted in ClinVar's aggregate classification.

Literature cited by the submitters: PubMed 30068397 (cited by Women's Health and Genetics/Laboratory Corporation of America, LabCorp).